The following is an entry in ClinVar:

ClinVar aggregate classification (germline): Pathogenic/Likely pathogenic. Review status: criteria provided, multiple submitters, no conflicts (2 of 4 stars). 5 submissions from 5 submitters: Pathogenic (4); Likely pathogenic (1). Last evaluated 2025-12-11.

Conditions:
Bloom syndrome (BLM). Also called: Bloom-Torre-Machacek syndrome. Identifiers: Orphanet 125, MedGen C0005859, MONDO:0008876, OMIM 210900.
Hereditary cancer-predisposing syndrome. Also called: Neoplastic Syndromes, Hereditary; Hereditary Cancer Syndrome; Tumor predisposition; Hereditary neoplastic syndrome. Identifiers: Orphanet 140162, MedGen C0027672, MeSH D009386, MONDO:0015356.

Submissions (5):

Myriad Genetics, Inc.
Classification: Pathogenic for Bloom syndrome. Last evaluated: 2025-12-11. Review status: criteria provided, single submitter. Criteria: Myriad Autosomal Dominant, Autosomal Recessive and X-Linked Classification Criteria (2023). Collection method: clinical testing. Allele origin: unknown.
Comment: This variant is considered pathogenic. This variant creates a frameshift predicted to result in premature protein truncation.

Labcorp Genetics (formerly Invitae), Labcorp
Classification: Pathogenic for Bloom syndrome. Last evaluated: 2025-06-29. Review status: criteria provided, single submitter. Criteria: Invitae Variant Classification Sherloc (09022015). Collection method: clinical testing. Allele origin: germline.
Comment: This sequence change creates a premature translational stop signal (p.Met951Leufs*9) in the BLM gene. It is expected to result in an absent or disrupted protein product. Loss-of-function variants in BLM are known to be pathogenic (PMID: 17407155). This variant is present in population databases (no rsID available, gnomAD 0.02%). This variant has not been reported in the literature in individuals affected with BLM-related conditions. ClinVar contains an entry for this variant (Variation ID: 573132). For these reasons, this variant has been classified as Pathogenic.

Baylor Genetics
Classification: Pathogenic for Bloom syndrome. Last evaluated: 2023-12-30. Review status: criteria provided, single submitter. Criteria: ACMG Guidelines, 2015. Collection method: clinical testing. Allele origin: unknown.

Ambry Genetics
Classification: Pathogenic for Hereditary cancer-predisposing syndrome. Last evaluated: 2021-12-31. Review status: criteria provided, single submitter. Criteria: Ambry Variant Classification Scheme 2023. Collection method: clinical testing. Allele origin: germline.
Comment: The c.2851_2857delATGGGGA pathogenic mutation, located in coding exon 14 of the BLM gene, results from a deletion of 7 nucleotides at nucleotide positions 2851 to 2857, causing a translational frameshift with a predicted alternate stop codon (p.M951Lfs*9). This variant is considered to be rare based on population cohorts in the Genome Aggregation Database (gnomAD). This alteration is expected to result in loss of function by premature protein truncation or nonsense-mediated mRNA decay. As such, this alteration is interpreted as a disease-causing mutation.

GeneID Lab - Advanced Molecular Diagnostics
Classification: Likely pathogenic for Bloom syndrome. Last evaluated: 2019-07-05. Review status: criteria provided, single submitter. Criteria: ACMG Guidelines, 2015. Collection method: clinical testing. Allele origin: germline. Affected: no. Observed: 1 variant allele.
Comment: This variant creates a premature translational stop signal described as p.Met951LeufsTer9 in the BLM gene. It is expected to result in an absent or disrupted protein product. Loss-of-function variants in BLM have been previously described as pathogenic (PMID: 17407155). To the best of our knowledge, this variant has not been described in medical literature and it is not present on the gnomAD exomes database. Based on these findings and the limited literature regarding this substitution we consider it a “likely pathogenic variant”.

Literature cited by the submitters: PubMed 17407155 (cited by Labcorp Genetics (formerly Invitae), Labcorp and GeneID Lab - Advanced Molecular Diagnostics).

NM_000057.4(BLM):c.2851_2857del (p.Met951fs)

Gene: BLM (BLM RecQ like helicase; plus strand). Cytogenetic location: 15q26.1.
Variant type: Deletion.
Coding change: c.2851_2857del on transcript NM_000057.4 (MANE Select); coding-DNA positions 2851 to 2857, 7 bases deleted (ATGGGGA; older notation c.2851_2857delATGGGGA).
Protein change: p.Met951fs; shifts the reading frame from methionine 951.
Molecular consequence: frameshift variant.
Genome position (GRCh38, 1-based): chr15:90,790,676-90,790,682, ATGGGGA deleted; deleting any 7 consecutive bases within chr15:90,790,673-90,790,682 gives the same sequence; the c. name uses the placement nearest the transcript's 3' end. VCF-style (leftmost placement, unchanged base first): chr15-90790672-TGGAATGG-T. GRCh37 (hg19) VCF-style: chr15-91333902-TGGAATGG-T.
Other names: c.2851_2857del, p.Met951fs (NM_001287246.2, NM_001287247.2); c.1726_1732del, p.Met576fs (NM_001287248.2); c.2851_2857del (NM_000057.3); c.2851_2857delATGGGGA (NM_000057.2); short protein forms M576fs, M951fs.
Identifiers: ClinVar variation 573132 (VCV000573132.16), dbSNP rs1309932713, ClinGen allele CA619860763.
Genomic context (GRCh38, chr15:90,790,672, plus strand): 5'-GCCTTATGAATCTAATAAGCTTTTGCTTTTATATCAGGTTATCTGTGCTACAATTGCATT[TGGAATGG>T]GGATTGACAAACCGGACGTGCGATTTGTGATTCATGCATCTCTCCCTAAATCTGTGGAGG-3'